The following is an entry in ClinVar:

NM_001170535.3(ATAD3A):c.413G>A (p.Arg138Gln)

Gene: ATAD3A (ATPase family AAA domain containing 3A; plus strand). Cytogenetic location: 1p36.33.
Variant type: single nucleotide variant.
Coding change: c.413G>A on transcript NM_001170535.3 (MANE Select); coding-DNA position 413, G replaced by A.
Protein change: p.Arg138Gln; replaces arginine 138 with glutamine.
Molecular consequence: missense variant.
Genome position (GRCh38, 1-based): chr1:1,517,744, G>A. VCF-style: chr1-1517744-G-A. GRCh37 (hg19) VCF-style: chr1-1453124-G-A.
Other names: c.176G>A, p.Arg59Gln (NM_001170536.3); c.557G>A, p.Arg186Gln (NM_018188.5); c.413G>A (NM_001170535.1); short protein forms R138Q, R186Q, R59Q.
Identifiers: ClinVar variation 3067353 (VCV003067353.23), dbSNP rs778091985, ClinGen allele CA525729.

ClinVar aggregate classification (germline): Uncertain significance. Review status: criteria provided, multiple submitters, no conflicts (2 of 4 stars). 2 submissions from 2 submitters: Uncertain significance (2). Last evaluated 2026-08-05.

Allele frequency attached by ClinVar (database versions not stated): TOPMed 0.00002; gnomAD exomes 0.00004; ExAC 0.00007.

Submissions (2):

GeneDx
Classification: Uncertain significance. Last evaluated: 2026-08-05. Review status: criteria provided, single submitter. Criteria: GeneDx Variant Classification Process June 2021. Collection method: clinical testing. Allele origin: germline.
Comment: In silico analysis supports that this missense variant has a deleterious effect on protein structure/function; Has not been previously published as pathogenic or benign to our knowledge

CeGaT Center for Human Genetics Tuebingen
Classification: Uncertain significance. Last evaluated: 2024-03-01. Review status: criteria provided, single submitter. Criteria: CeGaT Center For Human Genetics Tuebingen Variant Classification Criteria Version 2. Collection method: clinical testing. Allele origin: germline. Affected: yes. Observed: 1 variant allele.
Comment: ATAD3A: PM2